The following is an entry in ClinVar:

NM_004380.3(CREBBP):c.2641C>A (p.Gln881Lys)

Gene: CREBBP (CREB binding protein; minus strand). Cytogenetic location: 16p13.3.
Variant type: single nucleotide variant.
Coding change: c.2641C>A on transcript NM_004380.3 (MANE Select); coding-DNA position 2641, C replaced by A.
Protein change: p.Gln881Lys; replaces glutamine 881 with lysine.
Molecular consequence: missense variant.
Genome position (GRCh38, 1-based): chr16:3,770,809, G>T on the plus strand (C>A on the coding strand, the complement: CREBBP is on the minus strand). VCF-style: chr16-3770809-G-T. GRCh37 (hg19) VCF-style: chr16-3820810-G-T.
Other names: c.2527C>A, p.Gln843Lys (NM_001079846.1); short protein forms Q843K, Q881K.
Identifiers: ClinVar variation 3602134 (VCV003602134.1).

ClinVar aggregate classification (germline): Uncertain significance (1 of 4 stars; one submission).

Submission:

GeneDx
Classification: Uncertain significance. Last evaluated: 2024-08-02. Review status: criteria provided, single submitter. Criteria: GeneDx Variant Classification Process June 2021. Collection method: clinical testing. Allele origin: germline. Affected: yes.
Comment: Not observed at significant frequency in large population cohorts (gnomAD); In silico analysis indicates that this missense variant does not alter protein structure/function; Has not been previously published as pathogenic or benign to our knowledge